The following is an entry in ClinVar:

ClinVar aggregate classification (germline): Uncertain significance (1 of 4 stars; one submission).

Conditions:
Cardiovascular phenotype. Identifiers: MedGen CN230736.

Allele frequency attached by ClinVar (database versions not stated): gnomAD exomes below 0.00001; TOPMed 0.00002.

Submission:

Ambry Genetics
Classification: Uncertain significance for Cardiovascular phenotype. Last evaluated: 2021-10-12. Review status: criteria provided, single submitter. Criteria: Ambry Variant Classification Scheme 2023. Collection method: clinical testing. Allele origin: germline.
Comment: The p.R1085S variant (also known as c.3255A>C), located in coding exon 8 of the AKAP9 gene, results from an A to C substitution at nucleotide position 3255. The arginine at codon 1085 is replaced by serine, an amino acid with dissimilar properties. This amino acid position is conserved. In addition, this alteration is predicted to be tolerated by in silico analysis. Since supporting evidence is limited at this time, the clinical significance of this alteration remains unclear.

NM_005751.5(AKAP9):c.3255A>C (p.Arg1085Ser)

Gene: AKAP9 (A-kinase anchoring protein 9; plus strand). Cytogenetic location: 7q21.2.
Variant type: single nucleotide variant.
Coding change: c.3255A>C on transcript NM_005751.5 (MANE Select); coding-DNA position 3255, A replaced by C.
Protein change: p.Arg1085Ser; replaces arginine 1085 with serine.
Molecular consequence: missense variant.
Genome position (GRCh38, 1-based): chr7:92,003,172, A>C. VCF-style: chr7-92003172-A-C. GRCh37 (hg19) VCF-style: chr7-91632486-A-C.
Other names: c.3255A>C, p.Arg1085Ser (NM_147185.3); short protein forms R1085S.
Identifiers: ClinVar variation 1729453 (VCV001729453.2), dbSNP rs1170845496, ClinGen allele CA368126649.